The following is an entry in ClinVar:

ClinVar aggregate classification (germline): Uncertain significance. Review status: criteria provided, multiple submitters, no conflicts (2 of 4 stars). 2 submissions from 2 submitters: Uncertain significance (2). Last evaluated 2024-11-26.

Conditions:
Hypertrophic cardiomyopathy 14. Identifiers: MedGen C2750467, MONDO:0013197, OMIM 613251.
Cardiovascular phenotype. Identifiers: MedGen CN230736.

gnomAD v4.1: 10 of 1,612,714 alleles (0.00062%); highest among the groups gnomAD compares: Admixed American, 0.013%; no homozygotes.

Submissions (2):

Ambry Genetics
Classification: Uncertain significance for Cardiovascular phenotype. Last evaluated: 2024-11-26. Review status: criteria provided, single submitter. Criteria: Ambry Variant Classification Scheme 2023. Collection method: clinical testing. Allele origin: germline.

Labcorp Genetics (formerly Invitae), Labcorp
Classification: Uncertain significance for Hypertrophic cardiomyopathy 14. Last evaluated: 2024-05-19. Review status: criteria provided, single submitter. Criteria: Invitae Variant Classification Sherloc (09022015). Collection method: clinical testing. Allele origin: germline.
Comment: This sequence change replaces serine, which is neutral and polar, with threonine, which is neutral and polar, at codon 1838 of the MYH6 protein (p.Ser1838Thr). This variant is present in population databases (no rsID available, gnomAD 0.01%). This variant has not been reported in the literature in individuals affected with MYH6-related conditions. Advanced modeling of protein sequence and biophysical properties (such as structural, functional, and spatial information, amino acid conservation, physicochemical variation, residue mobility, and thermodynamic stability) performed at Invitae indicates that this missense variant is not expected to disrupt MYH6 protein function with a negative predictive value of 80%. In summary, the available evidence is currently insufficient to determine the role of this variant in disease. Therefore, it has been classified as a Variant of Uncertain Significance.

NM_002471.4(MYH6):c.5512T>A (p.Ser1838Thr)

Gene: MYH6 (myosin heavy chain 6; minus strand). Cytogenetic location: 14q11.2.
Variant type: single nucleotide variant.
Coding change: c.5512T>A on transcript NM_002471.4 (MANE Select); coding-DNA position 5512, T replaced by A.
Protein change: p.Ser1838Thr; replaces serine 1838 with threonine.
Molecular consequence: missense variant.
Genome position (GRCh38, 1-based): chr14:23,384,495, A>T on the plus strand (T>A on the coding strand, the complement: MYH6 is on the minus strand). VCF-style: chr14-23384495-A-T. GRCh37 (hg19) VCF-style: chr14-23853704-A-T.
Other names: short protein forms S1838T.
Identifiers: ClinVar variation 3400912 (VCV003400912.3).